The following is an entry in ClinVar:

GRCh38/hg38 11q23.3(chr11:118503581-118554704)x3

Genes: IFT46 (intraflagellar transport 46; minus strand), KMT2A (lysine methyltransferase 2A; plus strand), TMEM25 (transmembrane protein 25; plus strand), TTC36 (tetratricopeptide repeat domain 36; plus strand), TTC36-AS1 (TTC36 and KMT2A antisense RNA 1; minus strand) and 4 more. Cytogenetic location: 11q23.3.
Variant type: copy number gain.
Change: copy number 3 (three copies instead of two) of chr11:118,503,581-118,554,704 (51.1 kb, GRCh38 coordinates, 1-based), cytogenetic band 11q23.3.
Identifiers: ClinVar variation 153712 (VCV000153712.2).

ClinVar aggregate classification (germline): conflicting data from submitters (0 of 4 stars; one submission).

Submission:

ISCA site 1
Classification: conflicting data from submitters. Last evaluated: 2015-02-16. Review status: no assertion criteria provided. Collection method: clinical testing. Allele origin: paternal, unknown. Affected: yes. Observed: 2 variant alleles.
Comment: Uncertain significance(1), Likely benign (1)

Copy number variation identified through the course of routine clinical cytogenomic testing in postnatal populations, with clinical assertions as classified by the original submitter. For data from the original published study, Kaminsky, et al. 2011 (PubMed 21844811), please see nstd101.